The following is an entry in ClinVar:

NM_004304.5(ALK):c.3516-2A>G

Gene: ALK (ALK receptor tyrosine kinase; minus strand). Cytogenetic location: 2p23.2.
Variant type: single nucleotide variant.
Coding change: c.3516-2A>G on transcript NM_004304.5 (MANE Select); the canonical splice acceptor site of the intron before coding-DNA position 3516, A replaced by G.
Molecular consequence: splice acceptor variant.
Genome position (GRCh38, 1-based): chr2:29,220,837, T>C on the plus strand (A>G on the coding strand, the complement: ALK is on the minus strand). VCF-style: chr2-29220837-T-C. GRCh37 (hg19) VCF-style: chr2-29443703-T-C.
Other names: c.312-2A>G (NM_001353765.2).
Identifiers: ClinVar variation 3286323 (VCV003286323.1).

ClinVar aggregate classification (germline): Uncertain significance (1 of 4 stars; one submission).

Conditions:
Hereditary cancer-predisposing syndrome. Also called: Tumor predisposition; Hereditary Cancer Syndrome; Hereditary neoplastic syndrome; Neoplastic Syndromes, Hereditary. Identifiers: Orphanet 140162, MedGen C0027672, MeSH D009386, MONDO:0015356.

gnomAD v4.1: 1 of 1,614,100 alleles (0.000062%); highest among the groups gnomAD compares: Non-Finnish European, 0.000085%; no homozygotes.

Submission:

Ambry Genetics
Classification: Uncertain significance for Hereditary cancer-predisposing syndrome. Last evaluated: 2024-06-12. Review status: criteria provided, single submitter. Criteria: Ambry Variant Classification Scheme 2023. Collection method: clinical testing. Allele origin: germline.
Comment: The c.3516-2A>G intronic variant results from an A to G substitution two nucleotides upstream from coding exon 23 in the ALK gene. This nucleotide position is highly conserved in available vertebrate species. In silico splice site analysis predicts that this alteration will weaken the native splice acceptor site and will result in the creation or strengthening of a novel splice acceptor site. Alterations that disrupt the canonical splice site are expected to cause aberrant splicing, resulting in an abnormal protein or a transcript that is subject to nonsense-mediated mRNA decay. However, loss of function of ALK has not been established as a mechanism of disease. Based on the available evidence, the clinical significance of this variant remains unclear.